The following is an entry in ClinVar:

ClinVar aggregate classification (germline): Uncertain significance (1 of 4 stars; one submission).

Conditions:
Shprintzen-Goldberg syndrome (SGS). Also called: SHPRINTZEN-GOLDBERG CRANIOSYNOSTOSIS SYNDROME; CRANIOSYNOSTOSIS WITH ARACHNODACTYLY AND ABDOMINAL HERNIAS; Marfanoid disorder with craniosynostosis type 1; Marfanoid craniosynostosis syndrome; Shprintzen-Goldberg marfanoid syndrome. Identifiers: Orphanet 2462, MedGen C1321551, MONDO:0008426, OMIM 182212.

gnomAD v4.1: 3 of 1,544,974 alleles (0.00019%); highest among the groups gnomAD compares: Non-Finnish European, 0.00026%; no homozygotes.

Submission:

Labcorp Genetics (formerly Invitae), Labcorp
Classification: Uncertain significance for Shprintzen-Goldberg syndrome. Last evaluated: 2025-03-25. Review status: criteria provided, single submitter. Criteria: Invitae Variant Classification Sherloc (09022015). Collection method: clinical testing. Allele origin: germline.
Comment: This sequence change replaces arginine, which is basic and polar, with tryptophan, which is neutral and slightly polar, at codon 695 of the SKI protein (p.Arg695Trp). This variant is not present in population databases (gnomAD no frequency). This variant has not been reported in the literature in individuals affected with SKI-related conditions. ClinVar contains an entry for this variant (Variation ID: 1387441). Invitae Evidence Modeling of protein sequence and biophysical properties (such as structural, functional, and spatial information, amino acid conservation, physicochemical variation, residue mobility, and thermodynamic stability) has been performed for this missense variant. However, the output from this modeling did not meet the statistical confidence thresholds required to predict the impact of this variant on SKI protein function. In summary, the available evidence is currently insufficient to determine the role of this variant in disease. Therefore, it has been classified as a Variant of Uncertain Significance.

NM_003036.4(SKI):c.2083C>T (p.Arg695Trp)

Gene: SKI (SKI proto-oncogene; plus strand). Cytogenetic location: 1p36.32.
Variant type: single nucleotide variant.
Coding change: c.2083C>T on transcript NM_003036.4 (MANE Select); coding-DNA position 2083, C replaced by T.
Protein change: p.Arg695Trp; replaces arginine 695 with tryptophan.
Molecular consequence: missense variant.
Genome position (GRCh38, 1-based): chr1:2,306,661, C>T. VCF-style: chr1-2306661-C-T. GRCh37 (hg19) VCF-style: chr1-2238100-C-T.
Other names: short protein forms R695W.
Identifiers: ClinVar variation 1387441 (VCV001387441.8), dbSNP rs1347331671, ClinGen allele CA337959699.
Genomic context (GRCh38, chr1:2,306,661, plus strand): 5'-CAGCACGCGGAGGCGGACCGGGAGCAGCTGCGGGCCGACCTGCTGCGGGAGCGCGAGGCC[C>T]GGGAGCACCTGGAGAAGGTGGTGAAGGAGCTGCAGGAACAGCTGTGGCCGCGGGCCCGCC-3'
Protein context (NP_003027.1, residues 685-705): RADLLREREA[Arg695Trp]EHLEKVVKEL